The following is an entry in ClinVar:

NM_005215.4(DCC):c.1423C>T (p.Arg475Ter)

Gene: DCC (DCC netrin 1 receptor; plus strand). Cytogenetic location: 18q21.2.
Variant type: single nucleotide variant.
Coding change: c.1423C>T on transcript NM_005215.4 (MANE Select); coding-DNA position 1423, C replaced by T.
Protein change: p.Arg475Ter; replaces arginine 475 with a stop codon.
Molecular consequence: nonsense.
Genome position (GRCh38, 1-based): chr18:53,178,966, C>T. VCF-style: chr18-53178966-C-T. GRCh37 (hg19) VCF-style: chr18-50705336-C-T.
Other names: short protein forms R475*.
Identifiers: ClinVar variation 4886410 (VCV004886410.2).

ClinVar aggregate classification (germline): Likely pathogenic (1 of 4 stars; one submission).

gnomAD v4.1: 4 of 1,613,880 alleles (0.00025%); highest among the groups gnomAD compares: Non-Finnish European, 0.00025%; no homozygotes.

Submission:

Dasa
Classification: Likely pathogenic. Last evaluated: 2026-01-13. Review status: criteria provided, single submitter. Criteria: DASA Assertion Criteria. Collection method: clinical testing. Allele origin: germline.
Comment: NM_005215.4(DCC):c.1423C>T (p.Arg475*) is a nonsense variant in DCC predicted to introduce a premature termination codon and is predicted to result in an absent or altered protein product. Loss of function is an established disease mechanism for DCC-associated disorders. Also, this variant is rare in population databases. Based on the currently available evidence, this variant is classified as likely pathogenic.